The following is an entry in ClinVar:

NM_001127178.3(PIGG):c.1291G>A (p.Asp431Asn)

Gene: PIGG (phosphatidylinositol glycan anchor biosynthesis class G (EMM blood group); plus strand). Cytogenetic location: 4p16.3.
Variant type: single nucleotide variant.
Coding change: c.1291G>A on transcript NM_001127178.3 (MANE Select); coding-DNA position 1291, G replaced by A.
Protein change: p.Asp431Asn; replaces aspartic acid 431 with asparagine.
Molecular consequence: missense variant. On other transcripts: non-coding transcript variant (6), intron variant (4).
Genome position (GRCh38, 1-based): chr4:521,232, G>A. VCF-style: chr4-521232-G-A. GRCh37 (hg19) VCF-style: chr4-515021-G-A.
Other names: c.1024G>A, p.Asp342Asn (NM_001289051.2, NM_001289053.2, NM_001345986.2 and 1 more transcripts); c.892G>A, p.Asp298Asn (NM_001289052.2); c.262G>A, p.Asp88Asn (NM_001345988.2); c.1291G>A, p.Asp431Asn (NM_001345989.2, NM_017733.5); c.217G>A, p.Asp73Asn (NM_001345994.2); c.-202+5G>A (NM_001345991.2, NM_001345990.2); c.848-428G>A (NM_001289057.2); c.920+5G>A (NM_001289055.2); and 1 more; short protein forms D342N, D88N, D298N, D73N, D431N.
Identifiers: ClinVar variation 1486835 (VCV001486835.14), dbSNP rs753304209, ClinGen allele CA2793267.

ClinVar aggregate classification (germline): Uncertain significance. Review status: criteria provided, multiple submitters, no conflicts (2 of 4 stars). 3 submissions from 3 submitters: Uncertain significance (3). Last evaluated 2024-09-27.

Conditions:
Inborn genetic diseases. Identifiers: MedGen C0950123, MeSH D030342.
Intellectual disability, autosomal recessive 53 (NEDHSCA). Also called: GLYCOSYLPHOSPHATIDYLINOSITOL BIOSYNTHESIS DEFECT 13; Mental retardation, autosomal recessive 53; NEURODEVELOPMENTAL DISORDER WITH OR WITHOUT HYPOTONIA, SEIZURES, AND CEREBELLAR ATROPHY. Identifiers: Orphanet 488635, MedGen C4310794, MONDO:0014832, OMIM 616917.

Allele frequency attached by ClinVar (database versions not stated): gnomAD exomes below 0.00001; ExAC 0.00001; gnomAD 0.00001; TOPMed 0.00001.
gnomAD v4.1: 7 of 1,613,912 alleles (0.00043%); highest among the groups gnomAD compares: African/African-American, 0.0027%; no homozygotes.

Submissions (3):

Labcorp Genetics (formerly Invitae), Labcorp
Classification: Uncertain significance for Intellectual disability, autosomal recessive 53. Last evaluated: 2024-09-27. Review status: criteria provided, single submitter. Criteria: Invitae Variant Classification Sherloc (09022015). Collection method: clinical testing. Allele origin: germline.
Comment: This sequence change replaces aspartic acid, which is acidic and polar, with asparagine, which is neutral and polar, at codon 431 of the PIGG protein (p.Asp431Asn). This variant is present in population databases (rs753304209, gnomAD 0.007%). This variant has not been reported in the literature in individuals affected with PIGG-related conditions. ClinVar contains an entry for this variant (Variation ID: 1486835). Invitae Evidence Modeling of protein sequence and biophysical properties (such as structural, functional, and spatial information, amino acid conservation, physicochemical variation, residue mobility, and thermodynamic stability) has been performed for this missense variant. However, the output from this modeling did not meet the statistical confidence thresholds required to predict the impact of this variant on PIGG protein function. In summary, the available evidence is currently insufficient to determine the role of this variant in disease. Therefore, it has been classified as a Variant of Uncertain Significance.

Blueprint Genetics
Classification: Uncertain significance. Last evaluated: 2023-12-21. Review status: criteria provided, single submitter. Criteria: ACMG Guidelines, 2015. Collection method: clinical testing. Allele origin: germline.

Ambry Genetics
Classification: Uncertain significance for Inborn genetic diseases. Last evaluated: 2023-03-27. Review status: criteria provided, single submitter. Criteria: Ambry Variant Classification Scheme 2023. Collection method: clinical testing. Allele origin: germline.